The following is an entry in ClinVar:

ClinVar aggregate classification (germline): Uncertain significance (1 of 4 stars; one submission).

Conditions:
Hereditary cancer-predisposing syndrome. Also called: Neoplastic Syndromes, Hereditary; Hereditary neoplastic syndrome; Tumor predisposition; Hereditary Cancer Syndrome. Identifiers: Orphanet 140162, MedGen C0027672, MeSH D009386, MONDO:0015356.

Submission:

Ambry Genetics
Classification: Uncertain significance for Hereditary cancer-predisposing syndrome. Last evaluated: 2026-02-22. Review status: criteria provided, single submitter. Criteria: Ambry Variant Classification Scheme 2023. Collection method: clinical testing. Allele origin: germline.
Comment: The p.E611Q variant (also known as c.1831G>C), located in coding exon 14 of the BAP1 gene, results from a G to C substitution at nucleotide position 1831. The glutamic acid at codon 611 is replaced by glutamine, an amino acid with highly similar properties. This amino acid position is conserved. In addition, this alteration is predicted to be tolerated by in silico analysis. Based on the available evidence, the clinical significance of this variant remains unclear.

NM_004656.4(BAP1):c.1831G>C (p.Glu611Gln)

Gene: BAP1 (BRCA1 associated deubiquitinase 1; minus strand). Cytogenetic location: 3p21.1.
Variant type: single nucleotide variant.
Coding change: c.1831G>C on transcript NM_004656.4 (MANE Select); coding-DNA position 1831, G replaced by C.
Protein change: p.Glu611Gln; replaces glutamic acid 611 with glutamine.
Molecular consequence: missense variant.
Genome position (GRCh38, 1-based): chr3:52,403,197, C>G on the plus strand (G>C on the coding strand, the complement: BAP1 is on the minus strand). VCF-style: chr3-52403197-C-G. GRCh37 (hg19) VCF-style: chr3-52437213-C-G.
Other names: c.1777G>C, p.Glu593Gln (NM_001410772.1); short protein forms E593Q, E611Q.
Identifiers: ClinVar variation 4824103 (VCV004824103.1).